The following is an entry in ClinVar:

NM_001370259.2(MEN1):c.202_206dup (p.Asp70fs)

Gene: MEN1 (menin 1; minus strand). Cytogenetic location: 11q13.1.
Variant type: Microsatellite.
Coding change: c.202_206dup on transcript NM_001370259.2 (MANE Select); coding-DNA positions 202 to 206, 5 bases duplicated (GCCCC; older notation c.202_206dupGCCCC).
Protein change: p.Asp70fs; shifts the reading frame from aspartic acid 70.
Molecular consequence: frameshift variant.
Genome position (GRCh38, 1-based): chr11:64,809,904-64,809,908, GGGGC duplicated on the plus strand (GCCCC on the coding strand, the reverse complement: MEN1 is on the minus strand); duplicating any 5 consecutive bases within chr11:64,809,904-64,809,913 gives the same sequence; the c. name uses the placement nearest the transcript's 3' end. VCF-style (leftmost placement, unchanged base first): chr11-64809903-G-GGGGGC. GRCh37 (hg19) VCF-style: chr11-64577375-G-GGGGGC.
Other names: c.202_206dup, p.Asp70fs (NM_000244.4, NM_001370251.2, NM_001370260.2 and 9 more transcripts); c.206_207insGCCCC (NM_130799.2); c.202_206dupGCCCC (NM_130799.2); short protein forms D70fs.
Identifiers: ClinVar variation 183079 (VCV000183079.17), dbSNP rs730882136, ClinGen allele CA009325.

ClinVar aggregate classification (germline): Pathogenic. Review status: criteria provided, multiple submitters, no conflicts (2 of 4 stars). 7 submissions from 7 submitters: Pathogenic (7). Last evaluated 2026-06-15.

Conditions:
Familial hyperparathyroidism or Hypocalciuric hypercalcaemia.
Hereditary cancer-predisposing syndrome. Also called: Hereditary neoplastic syndrome; Neoplastic Syndromes, Hereditary; Hereditary Cancer Syndrome; Tumor predisposition. Identifiers: Orphanet 140162, MedGen C0027672, MeSH D009386, MONDO:0015356.
Multiple endocrine neoplasia, type 1 (MEN1). Also called: Endocrine adenomatosis multiple; MEN 1; MEA I; MEN I; WERMER SYNDROME. Identifiers: Orphanet 652, MedGen C0025267, MeSH D018761, MONDO:0007540, OMIM 131100.

Submissions (7):

Cambridge Genomics Laboratory, East Genomic Laboratory Hub, NHS Genomic Medicine Service
Classification: Pathogenic for Familial hyperparathyroidism or Hypocalciuric hypercalcaemia. Last evaluated: 2026-06-15. Review status: criteria provided, single submitter. Criteria: ACGS Best Practice Guidelines for Variant Classification in Rare Disease 2020. Collection method: clinical testing. Allele origin: germline. Affected: yes.
Comment: PVS1,PS4_Moderate,PM2,PP4

Ambry Genetics
Classification: Pathogenic for Hereditary cancer-predisposing syndrome. Last evaluated: 2025-09-29. Review status: criteria provided, single submitter. Criteria: Ambry Variant Classification Scheme 2023. Collection method: clinical testing. Allele origin: germline.
Comment: The c.202_206dupGCCCC pathogenic mutation, located in coding exon 1 of the MEN1 gene, results from a duplication of GCCCC at nucleotide position 202, causing a translational frameshift with a predicted alternate stop codon (p.D70Pfs*51). This variant was reported in individuals with features consistent with multiple endocrine neoplasia type 1 (Belar O et al. Clin Endocrinol (Oxf), 2012 May;76:719-24; K&ouml;vesdi A et al. Endocrine, 2019 08;65:451-459; Ambry internal data). Of note, this alteration is also designated as "c.206_207insGCCCC" in published literature. This variant is considered to be rare based on population cohorts in the Genome Aggregation Database (gnomAD). This alteration is expected to result in loss of function by premature protein truncation or nonsense-mediated mRNA decay. As such, this alteration is interpreted as a disease-causing mutation.

Labcorp Genetics (formerly Invitae), Labcorp
Classification: Pathogenic for Multiple endocrine neoplasia, type 1. Last evaluated: 2025-06-29. Review status: criteria provided, single submitter. Criteria: Invitae Variant Classification Sherloc (09022015). Collection method: clinical testing. Allele origin: germline.
Comment: This sequence change creates a premature translational stop signal (p.Asp70Profs*51) in the MEN1 gene. It is expected to result in an absent or disrupted protein product. Loss-of-function variants in MEN1 are known to be pathogenic (PMID: 12112656, 17853334). This variant is not present in population databases (gnomAD no frequency). This premature translational stop signal has been observed in individuals with multiple endocrine neoplasia type 1 (PMID: 9437237, 22026581). Invitae Evidence Modeling of clinical and family history, age, sex, and reported ancestry of multiple individuals with this MEN1 variant has been performed. This variant is expected to be pathogenic with a positive predictive value of at least 99%. This is a validated machine learning model that incorporates the clinical features of 1,366,787 individuals referred to our laboratory for MEN1 testing. This variant is also known as 317ins5 and c.206_207insGCCC. For these reasons, this variant has been classified as Pathogenic.

Athena Diagnostics
Classification: Pathogenic. Last evaluated: 2018-04-20. Review status: criteria provided, single submitter. Criteria: Athena Diagnostics Criteria. Collection method: clinical testing. Allele origin: germline.

GeneDx
Classification: Pathogenic. Last evaluated: 2018-03-19. Review status: criteria provided, single submitter. Criteria: GeneDx Variant Classification (06012015). Collection method: clinical testing. Allele origin: germline. Affected: yes.
Comment: The c.202_206dupGCCCC variant in the MEN1 gene has been reported previously in association with multiple endocrine neoplasia type 1 (for examples, see Giraud et al., 1998; Wautot et al., 2002; Park et al., 2003). The duplication causes a frameshift starting with codon Aspartic Acid 70, changes this amino acid to a Proline residue and creates a premature Stop codon at position 51 of the new reading frame, denoted p.Asp70ProfsX51. This variant is predicted to cause loss of normal protein function either through protein truncation or nonsense-mediated mRNA decay. Based on currently available evidence, we consider c.202_206dupGCCCC to be pathogenic.

PreventionGenetics, part of Exact Sciences
Classification: Pathogenic. Last evaluated: 2016-08-29. Review status: criteria provided, single submitter. Criteria: ACMG Guidelines, 2015. Collection method: clinical testing. Allele origin: germline.

Juno Genomics, Hangzhou Juno Genomics, Inc
Classification: Pathogenic for Multiple endocrine neoplasia, type 1. Review status: criteria provided, single submitter. Criteria: ACMG Guidelines, 2015. Collection method: clinical testing. Allele origin: germline. Affected: yes.
Comment: Absent from controls (or at extremely low frequency if recessive) in Genome Aggregation Database, Exome Sequencing Project, 1000 Genomes Project, or Exome Aggregation Consortium.;Null variant in a gene where loss of function (LOF) is a known mechanism of disease.;The prevalence of the variant in affected individuals is significantly increased compared to the prevalence in controls.

Literature cited by the submitters: PubMed 22026581 (cited by Ambry Genetics and Labcorp Genetics (formerly Invitae), Labcorp); PubMed 31044390 (cited by Ambry Genetics); PubMed 12112656 (cited by Labcorp Genetics (formerly Invitae), Labcorp); PubMed 17853334 (cited by Labcorp Genetics (formerly Invitae), Labcorp); PubMed 9437237 (cited by Labcorp Genetics (formerly Invitae), Labcorp and Athena Diagnostics).